The following is an entry in ClinVar:

NM_001042492.3(NF1):c.2984T>G (p.Leu995Arg)

Gene: NF1 (neurofibromin 1; plus strand). Cytogenetic location: 17q11.2.
Variant type: single nucleotide variant.
Coding change: c.2984T>G on transcript NM_001042492.3 (MANE Select); coding-DNA position 2984, T replaced by G.
Protein change: p.Leu995Arg; replaces leucine 995 with arginine.
Molecular consequence: missense variant.
Genome position (GRCh38, 1-based): chr17:31,229,968, T>G. VCF-style: chr17-31229968-T-G. GRCh37 (hg19) VCF-style: chr17-29556986-T-G.
Other names: c.2984T>G, p.Leu995Arg (NM_000267.4); short protein forms L995R.
Identifiers: ClinVar variation 1505368 (VCV001505368.8), dbSNP rs1597716466, ClinGen allele CA398986439.

ClinVar aggregate classification (germline): Uncertain significance (1 of 4 stars; one submission).

Conditions:
Neurofibromatosis, type 1 (NF1). Also called: VON RECKLINGHAUSEN DISEASE; NEUROFIBROMATOSIS, TYPE I, SOMATIC; Peripheral type neurofibromatosis; Neurofibromatosis, type I. Identifiers: Orphanet 636, MedGen C0027831, MONDO:0018975, OMIM 162200. Disease mechanism: loss of function.

Submission:

Labcorp Genetics (formerly Invitae), Labcorp
Classification: Uncertain significance for Neurofibromatosis, type 1. Last evaluated: 2025-04-13. Review status: criteria provided, single submitter. Criteria: Invitae Variant Classification Sherloc (09022015). Collection method: clinical testing. Allele origin: germline.
Comment: This sequence change replaces leucine, which is neutral and non-polar, with arginine, which is basic and polar, at codon 995 of the NF1 protein (p.Leu995Arg). This variant is not present in population databases (gnomAD no frequency). This variant has not been reported in the literature in individuals affected with NF1-related conditions. ClinVar contains an entry for this variant (Variation ID: 1505368). Invitae Evidence Modeling of protein sequence and biophysical properties (such as structural, functional, and spatial information, amino acid conservation, physicochemical variation, residue mobility, and thermodynamic stability) indicates that this missense variant is expected to disrupt NF1 protein function with a positive predictive value of 95%. In summary, the available evidence is currently insufficient to determine the role of this variant in disease. Therefore, it has been classified as a Variant of Uncertain Significance.